The following is an entry in ClinVar:

NM_016616.5(NME8):c.461T>A (p.Leu154Ter)

Gene: NME8 (NME/NM23 family member 8; plus strand). Cytogenetic location: 7p14.1.
Variant type: single nucleotide variant.
Coding change: c.461T>A on transcript NM_016616.5 (MANE Select); coding-DNA position 461, T replaced by A.
Protein change: p.Leu154Ter; replaces leucine 154 with a stop codon.
Molecular consequence: nonsense.
Genome position (GRCh38, 1-based): chr7:37,864,354, T>A. VCF-style: chr7-37864354-T-A. GRCh37 (hg19) VCF-style: chr7-37903956-T-A.
Other names: short protein forms L154*.
Identifiers: ClinVar variation 1472682 (VCV001472682.1), dbSNP rs1784642730, ClinGen allele CA367221639.

ClinVar aggregate classification (germline): Uncertain significance (1 of 4 stars; one submission).

Conditions:
Primary ciliary dyskinesia 6. Also called: Primary Ciliary Dyskinesia 6: TXNDC3-Related Primary Ciliary Dyskinesia. Identifiers: Orphanet 244, MedGen C1970506, MONDO:0012571, OMIM 610852.

Allele frequency attached by ClinVar (database versions not stated): TOPMed below 0.00001.

Submission:

Labcorp Genetics (formerly Invitae), Labcorp
Classification: Uncertain significance for Primary ciliary dyskinesia 6. Last evaluated: 2020-12-11. Review status: criteria provided, single submitter. Criteria: Invitae Variant Classification Sherloc (09022015). Collection method: clinical testing. Allele origin: germline.
Comment: This sequence change creates a premature translational stop signal (p.Leu154*) in the NME8 gene. It is expected to result in an absent or disrupted protein product. However, the current clinical and genetic evidence is not sufficient to establish whether loss-of-function variants in NME8 cause disease. This variant is not present in population databases (ExAC no frequency). This variant has not been reported in the literature in individuals with NME8-related conditions. In summary, the available evidence is currently insufficient to determine the role of this variant in disease. Therefore, it has been classified as a Variant of Uncertain Significance.